The following is an entry in ClinVar:

ClinVar aggregate classification (germline): Uncertain significance. Review status: criteria provided, multiple submitters, no conflicts (2 of 4 stars). 4 submissions from 4 submitters: Uncertain significance (4). Last evaluated 2025-09-12.

Conditions:
Hereditary cancer-predisposing syndrome. Also called: Tumor predisposition; Neoplastic Syndromes, Hereditary; Hereditary neoplastic syndrome; Hereditary Cancer Syndrome. Identifiers: Orphanet 140162, MedGen C0027672, MeSH D009386, MONDO:0015356.
Familial adenomatous polyposis 1 (FAP1). Also called: POLYPOSIS, ADENOMATOUS INTESTINAL; FAMILIAL ADENOMATOUS POLYPOSIS 1, ATTENUATED. Identifiers: MedGen C2713442, MONDO:0021056, OMIM 175100. Disease mechanism: loss of function.

Submissions (4):

Ambry Genetics
Classification: Uncertain significance for Hereditary cancer-predisposing syndrome. Last evaluated: 2025-09-12. Review status: criteria provided, single submitter. Criteria: Ambry Variant Classification Scheme 2023. Collection method: clinical testing. Allele origin: germline.
Comment: The p.Y622C variant (also known as c.1865A>G), located in coding exon 14 of the APC gene, results from an A to G substitution at nucleotide position 1865. The tyrosine at codon 622 is replaced by cysteine, an amino acid with highly dissimilar properties. This amino acid position is well conserved in available vertebrate species. In addition, in silico predictors for this gene do not accurately predict pathogenicity. Missense alterations in APC are not a common cause of disease (Spier I et al. Genet Med. 2024 Feb;26(2):100992). Based on the available evidence, the clinical significance of this variant remains unclear.

Quest Diagnostics Nichols Institute San Juan Capistrano
Classification: Uncertain significance. Last evaluated: 2024-10-12. Review status: criteria provided, single submitter. Criteria: Quest Diagnostics criteria. Collection method: clinical testing. Allele origin: unknown.
Comment: The APC c.1865A>G (p.Tyr622Cys) variant has been reported in the published literature in an individual with a thoracic aortic dissection (PMID: 34150014 (2021)). This variant has not been reported in large, multi-ethnic general populations (Genome Aggregation Database). Analysis of this variant using bioinformatics tools for the prediction of the effect of amino acid changes on protein structure and function yielded predictions that this variant is damaging. Based on the available information, we are unable to determine the clinical significance of this variant.

Labcorp Genetics (formerly Invitae), Labcorp
Classification: Uncertain significance for Familial adenomatous polyposis 1. Last evaluated: 2024-03-14. Review status: criteria provided, single submitter. Criteria: Invitae Variant Classification Sherloc (09022015). Collection method: clinical testing. Allele origin: germline.
Comment: This sequence change replaces tyrosine, which is neutral and polar, with cysteine, which is neutral and slightly polar, at codon 622 of the APC protein (p.Tyr622Cys). This variant is not present in population databases (gnomAD no frequency). This variant has not been reported in the literature in individuals affected with APC-related conditions. ClinVar contains an entry for this variant (Variation ID: 630746). Advanced modeling of protein sequence and biophysical properties (such as structural, functional, and spatial information, amino acid conservation, physicochemical variation, residue mobility, and thermodynamic stability) performed at Invitae indicates that this missense variant is not expected to disrupt APC protein function with a negative predictive value of 95%. In summary, the available evidence is currently insufficient to determine the role of this variant in disease. Therefore, it has been classified as a Variant of Uncertain Significance.

Color Diagnostics, LLC DBA Color Health
Classification: Uncertain significance for Hereditary cancer-predisposing syndrome. Last evaluated: 2019-05-31. Review status: criteria provided, single submitter. Criteria: ACMG Guidelines, 2015. Collection method: clinical testing. Allele origin: germline.

Literature cited by the submitters: PubMed 34150014 (cited by Quest Diagnostics Nichols Institute San Juan Capistrano).

NM_000038.6(APC):c.1865A>G (p.Tyr622Cys)

Gene: APC (APC regulator of Wnt signaling pathway; plus strand). Cytogenetic location: 5q22.2.
Variant type: single nucleotide variant.
Coding change: c.1865A>G on transcript NM_000038.6 (MANE Select); coding-DNA position 1865, A replaced by G.
Protein change: p.Tyr622Cys; replaces tyrosine 622 with cysteine.
Molecular consequence: missense variant.
Genome position (GRCh38, 1-based): chr5:112,835,072, A>G. VCF-style: chr5-112835072-A-G. GRCh37 (hg19) VCF-style: chr5-112170769-A-G.
Other names: c.1865A>G, p.Tyr622Cys (NM_001127510.3, NM_001354895.2); c.1811A>G, p.Tyr604Cys (NM_001127511.3); c.1919A>G, p.Tyr640Cys (NM_001354896.2); c.1895A>G, p.Tyr632Cys (NM_001354897.2); c.1790A>G, p.Tyr597Cys (NM_001354898.2); c.1781A>G, p.Tyr594Cys (NM_001354899.2); c.1742A>G, p.Tyr581Cys (NM_001354900.2); c.1688A>G, p.Tyr563Cys (NM_001354901.2); and 5 more; short protein forms Y622C, Y604C, Y339C, Y521C, Y462C, Y581C, Y594C, Y597C.
Identifiers: ClinVar variation 630746 (VCV000630746.7), dbSNP rs1554083183, ClinGen allele CA16025400.